The following is an entry in ClinVar:

NM_000257.4(MYH7):c.3955C>G (p.Leu1319Val)

Gene: MYH7 (myosin heavy chain 7; minus strand). Cytogenetic location: 14q11.2.
Variant type: single nucleotide variant.
Coding change: c.3955C>G on transcript NM_000257.4 (MANE Select); coding-DNA position 3955, C replaced by G.
Protein change: p.Leu1319Val; replaces leucine 1319 with valine.
Molecular consequence: missense variant.
Genome position (GRCh38, 1-based): chr14:23,419,194, G>C on the plus strand (C>G on the coding strand, the complement: MYH7 is on the minus strand). VCF-style: chr14-23419194-G-C. GRCh37 (hg19) VCF-style: chr14-23888403-G-C.
Other names: c.3955C>G, p.Leu1319Val (NM_001407004.1); short protein forms L1319V.
Identifiers: ClinVar variation 3073315 (VCV003073315.2), dbSNP rs2502260116, ClinGen allele CA389041470.

ClinVar aggregate classification (germline): Uncertain significance. Review status: criteria provided, multiple submitters, no conflicts (2 of 4 stars). 2 submissions from 2 submitters: Uncertain significance (2). Last evaluated 2024-04-25.

Conditions:
Cardiomyopathy (CMYO). Also called: Cardiomyopathies. Identifiers: Orphanet 167848, MedGen C0878544, MONDO:0004994, HP:0001638. Inheritance: Various modes of inheritance.
Cardiovascular phenotype. Identifiers: MedGen CN230736.

Allele frequency attached by ClinVar (database versions not stated): gnomAD exomes below 0.00001.
gnomAD v4.1: 2 of 1,614,232 alleles (0.00012%); highest among the groups gnomAD compares: Non-Finnish European, 0.00017%; no homozygotes.

Submissions (2):

Ambry Genetics
Classification: Uncertain significance for Cardiovascular phenotype. Last evaluated: 2024-04-25. Review status: criteria provided, single submitter. Criteria: Ambry Variant Classification Scheme 2023. Collection method: clinical testing. Allele origin: germline.
Comment: The p.L1319V variant (also known as c.3955C>G), located in coding exon 27 of the MYH7 gene, results from a C to G substitution at nucleotide position 3955. The leucine at codon 1319 is replaced by valine, an amino acid with highly similar properties. This amino acid position is well conserved in available vertebrate species. In addition, the in silico prediction for this alteration is inconclusive. Based on the available evidence, the clinical significance of this variant remains unclear.

All of Us Research Program, National Institutes of Health
Classification: Uncertain significance for Cardiomyopathy. Last evaluated: 2023-09-04. Review status: criteria provided, single submitter. Criteria: ACMG Guidelines, 2015. Collection method: clinical testing. Allele origin: germline. Inheritance: Autosomal dominant inheritance. Observed: 1 variant allele, 1 heterozygote.
Comment: This missense variant replaces leucine with valine at codon 1319 of the MYH7 protein. Computational prediction is inconclusive regarding the impact of this variant on protein structure and function (internally defined REVEL score threshold 0.5 < inconclusive < 0.7, PMID: 27666373). To our knowledge, functional studies have not been reported for this variant. This variant has not been reported in individuals affected with MYH7-related disorders in the literature. This variant has not been identified in the general population by the Genome Aggregation Database (gnomAD). The available evidence is insufficient to determine the role of this variant in disease conclusively. Therefore, this variant is classified as a Variant of Uncertain Significance.

This study involves interpretation of variants in research participants for the purpose of population health screening. Participant phenotype was not available at the time of variant classification. Additional details can be found in publication PMID: 35346344, PMCID: PMC8962531